The following is an entry in ClinVar:

NM_013432.5(TONSL):c.38C>T (p.Ala13Val)

Genes: TONSL (tonsoku like, DNA repair protein; minus strand), LOC130001399 (ATAC-STARR-seq lymphoblastoid silent region 19685; plus strand). Cytogenetic location: 8q24.3.
Variant type: single nucleotide variant.
Coding change: c.38C>T on transcript NM_013432.5 (MANE Select); coding-DNA position 38, C replaced by T.
Protein change: p.Ala13Val; replaces alanine 13 with valine.
Molecular consequence: missense variant.
Genome position (GRCh38, 1-based): chr8:144,444,263, G>A on the plus strand (C>T on the coding strand, the complement: TONSL is on the minus strand). VCF-style: chr8-144444263-G-A. GRCh37 (hg19) VCF-style: chr8-145669646-G-A.
Other names: short protein forms A13V.
Identifiers: ClinVar variation 1970092 (VCV001970092.2), dbSNP rs1407488748, ClinGen allele CA372680104.

ClinVar aggregate classification (germline): Uncertain significance (1 of 4 stars; one submission).

Allele frequency attached by ClinVar (database versions not stated): gnomAD 0.00001; TOPMed 0.00001.

Submission:

Labcorp Genetics (formerly Invitae), Labcorp
Classification: Uncertain significance. Last evaluated: 2022-05-21. Review status: criteria provided, single submitter. Criteria: Invitae Variant Classification Sherloc (09022015). Collection method: clinical testing. Allele origin: germline.
Comment: This sequence change replaces alanine, which is neutral and non-polar, with valine, which is neutral and non-polar, at codon 13 of the TONSL protein (p.Ala13Val). This variant is not present in population databases (gnomAD no frequency). This variant has not been reported in the literature in individuals affected with TONSL-related conditions. Algorithms developed to predict the effect of missense changes on protein structure and function are either unavailable or do not agree on the potential impact of this missense change (SIFT: "Tolerated"; PolyPhen-2: "Probably Damaging"; Align-GVGD: "Class C0"). In summary, the available evidence is currently insufficient to determine the role of this variant in disease. Therefore, it has been classified as a Variant of Uncertain Significance.